The following is an entry in ClinVar:

NM_001330074.2(WASHC2C):c.2091C>T (p.Ser697=)

Gene: WASHC2C (WASH complex subunit 2C; plus strand). Cytogenetic location: 10q11.22.
Variant type: single nucleotide variant.
Coding change: c.2091C>T on transcript NM_001330074.2 (MANE Select); coding-DNA position 2091, C replaced by T.
Protein change: p.Ser697=; no amino-acid change (serine 697 retained).
Molecular consequence: synonymous variant. On other transcripts: non-coding transcript variant (1).
Genome position (GRCh38, 1-based): chr10:45,773,307, C>T. VCF-style: chr10-45773307-C-T. GRCh37 (hg19) VCF-style: chr10-46268755-C-T.
Other names: c.1440C>T, p.Ser480= (NM_001367398.1); c.1827C>T, p.Ser609= (NM_001367399.1, NM_001367410.1); c.2019C>T, p.Ser673= (NM_001367400.1, NM_001367403.1, NM_001367415.1 and 3 more transcripts); c.2004C>T, p.Ser668= (NM_001367401.1); c.1512C>T, p.Ser504= (NM_001367402.1, NM_001367405.1, NM_001367407.1 and 2 more transcripts); c.1932C>T, p.Ser644= (NM_001367404.1); c.201C>T, p.Ser67= (NM_001367406.1); c.2091C>T, p.Ser697= (NM_001367408.1, NM_001367416.1, NM_001169106.2 and 2 more transcripts); and 4 more.
Identifiers: ClinVar variation 2640428 (VCV002640428.24), dbSNP rs577995300, ClinGen allele CA5483104.
Genomic context (GRCh38, chr10:45,773,307, plus strand): 5'-TTTGTGTAGCCAAAAGAAGACCCAGAGAGTGTCACTCCTCTTTGAAGACGATGTTGATAG[C>T]GGAGGCTCTCTGTTTGGCTCTCCTCCCACATCTGTTCCTCCTGCAACAAAGGTATTCTTC-3'
Protein context (NP_001317003.1, residues 687-707): VSLLFEDDVD[Ser697=]GGSLFGSPPT

ClinVar aggregate classification (germline): Likely benign (1 of 4 stars; one submission).

Allele frequency attached by ClinVar (database versions not stated): 1000 Genomes Project 30x 0.00016; 1000 Genomes Project 0.00020; ExAC 0.00037.

Submission:

CeGaT Center for Human Genetics Tuebingen
Classification: Likely benign. Last evaluated: 2023-10-01. Review status: criteria provided, single submitter. Criteria: CeGaT Center For Human Genetics Tuebingen Variant Classification Criteria Version 2. Collection method: clinical testing. Allele origin: germline. Affected: yes. Observed: 1 variant allele.
Comment: WASHC2C: BP4, BP7